The following is an entry in ClinVar:

ClinVar aggregate classification (germline): Uncertain significance (1 of 4 stars; one submission).

Conditions:
Fanconi anemia (FA). Also called: Fanconi's anemia. Identifiers: Orphanet 84, MedGen C0015625, MeSH D005199, MONDO:0019391.

Submission:

Labcorp Genetics (formerly Invitae), Labcorp
Classification: Uncertain significance for Fanconi anemia. Last evaluated: 2022-06-13. Review status: criteria provided, single submitter. Criteria: Invitae Variant Classification Sherloc (09022015). Collection method: clinical testing. Allele origin: germline.
Comment: In summary, the available evidence is currently insufficient to determine the role of this variant in disease. Therefore, it has been classified as a Variant of Uncertain Significance. Algorithms developed to predict the effect of sequence changes on RNA splicing suggest that this variant may disrupt the consensus splice site. This variant has not been reported in the literature in individuals affected with FANCI-related conditions. This variant is not present in population databases (gnomAD no frequency). This sequence change falls in intron 9 of the FANCI gene. It does not directly change the encoded amino acid sequence of the FANCI protein.

NM_001113378.2(FANCI):c.756-7C>A

Gene: FANCI (FA complementation group I; plus strand). Cytogenetic location: 15q26.1.
Variant type: single nucleotide variant.
Coding change: c.756-7C>A on transcript NM_001113378.2 (MANE Select); 7 bases into the intron before coding-DNA position 756, C replaced by A.
Molecular consequence: intron variant.
Genome position (GRCh38, 1-based): chr15:89,268,392, C>A. VCF-style: chr15-89268392-C-A. GRCh37 (hg19) VCF-style: chr15-89811623-C-A.
Other names: c.756-7C>A (NM_018193.3, NM_001376911.1); c.477-7C>A (NM_001376910.1).
Identifiers: ClinVar variation 2182557 (VCV002182557.4), dbSNP rs943217984, ClinGen allele CA2580090189.
Genomic context (GRCh38, chr15:89,268,392, plus strand): 5'-AAGTGCTGGCATTACAGGCATGAGCCACTGCACCTTATAGCTCATAACTTTCTGTTGAAT[C>A]TTTTAGGCTATTGGATGTTGTCACTGTGCCATCAGGTGAACTTCGTCATGTGGAAGGCAC-3'